The following is an entry in ClinVar:

ClinVar aggregate classification (germline): Uncertain significance (1 of 4 stars; one submission).

Submission:

Labcorp Genetics (formerly Invitae), Labcorp
Classification: Uncertain significance. Last evaluated: 2022-08-13. Review status: criteria provided, single submitter. Criteria: Invitae Variant Classification Sherloc (09022015). Collection method: clinical testing. Allele origin: germline.
Comment: In summary, the available evidence is currently insufficient to determine the role of this variant in disease. Therefore, it has been classified as a Variant of Uncertain Significance. Algorithms developed to predict the effect of missense changes on protein structure and function are either unavailable or do not agree on the potential impact of this missense change (SIFT: "Tolerated"; PolyPhen-2: "Not Available"; Align-GVGD: "Class C0"). This sequence change replaces aspartic acid, which is acidic and polar, with glycine, which is neutral and non-polar, at codon 52 of the ANXA11 protein (p.Asp52Gly). This variant is not present in population databases (gnomAD no frequency). This variant has not been reported in the literature in individuals affected with ANXA11-related conditions.

NM_145868.2(ANXA11):c.155A>G (p.Asp52Gly)

Gene: ANXA11 (annexin A11; minus strand). Cytogenetic location: 10q22.3.
Variant type: single nucleotide variant.
Coding change: c.155A>G on transcript NM_145868.2 (MANE Select); coding-DNA position 155, A replaced by G.
Protein change: p.Asp52Gly; replaces aspartic acid 52 with glycine.
Molecular consequence: missense variant.
Genome position (GRCh38, 1-based): chr10:80,170,816, T>C on the plus strand (A>G on the coding strand, the complement: ANXA11 is on the minus strand). VCF-style: chr10-80170816-T-C. GRCh37 (hg19) VCF-style: chr10-81930572-T-C.
Other names: c.155A>G, p.Asp52Gly (NM_001157.3, NM_001278407.2, NM_001278408.2 and 1 more transcripts); c.56A>G, p.Asp19Gly (NM_001278409.2); short protein forms D19G, D52G.
Identifiers: ClinVar variation 2123708 (VCV002123708.4), dbSNP rs2492172104, ClinGen allele CA377368745.